The following is an entry in ClinVar:

ClinVar aggregate classification (germline): Uncertain significance. Review status: reviewed by expert panel (3 of 4 stars). 3 submissions from 3 submitters: Uncertain significance (1). 2 of the submissions do not count toward it. Last evaluated 2024-10-01.

Conditions:
Complex neurodevelopmental disorder. Identifiers: Orphanet 528084, MedGen C5568766, MONDO:0100038.
Early-infantile DEE. Also called: Ohtahara syndrome; Early infantile epileptic encephalopathy; Early infantile epileptic encephalopathy with suppression bursts. Identifiers: Orphanet 1934, MedGen C0393706, MONDO:0800491.

Submissions (3):

ClinGen Epilepsy Sodium Channel Variant Curation Expert Panel, Clingen
Classification: Uncertain significance for Complex neurodevelopmental disorder. Last evaluated: 2024-10-01. Review status: reviewed by expert panel. Criteria: ClinGen EpilepsySCN ACMG Specifications SCN1A V1.0.0. Collection method: curation. Allele origin: germline. Inheritance: Autosomal dominant inheritance.
Comment: The c.1170+5G>C (NM_001165963.4) variant in SCN1A is an intronic variant predicted to cause substitution of Guanine by Cytosine at nucleotide 1170+5. The variant has been reported in at least 1 proband with a phenotype of Epilepsy NOS (LabCorp Genetics Inc). It is absent from the population database gnomAD v3.1.2 and v4.0 (PM2_Supporting). The computational splicing predictor SpliceAI gives a score of 0.88 for donor loss, predicting that the variant disrupts the donor splice site of intron 11 of SCN1A (PP3_Moderate). A different variant at the same position (c.1170+5G>A)(PMID:31069529, 31440721, ClinVar ID:646111) has been classified as Likely Pathogenic for Complex Neurodevelopmental Disorder by the ClinGen Sodium Channel Variant Curation Expert Panel (PS1_Moderate). An additional variant (c.1170+5G>T) has been reported in a patient with Epilepsy NOS (ClinVar ID:851265, LabCorp Genetics Inc). However, this variant has not yet met the criteria to be classified as pathogenic or likely pathogenic by the ClinGen Sodium Channel Variant Curation Expert Panel. In summary, this variant meets the criteria to be classified as Variant of Uncertain Significance for autosomal dominant complex neurodevelopmental disorder based on the ACMG/AMP criteria applied, as specified by the ClinGen Epilepsy Sodium Channel VCEP:PS1_Moderate, PM2_Supporting, PP3_Moderate. (version 1.0; September 24, 2024).

Labcorp Genetics (formerly Invitae), Labcorp
Classification: Uncertain significance for Early-infantile DEE. Last evaluated: 2019-04-03. Review status: criteria provided, single submitter. Criteria: Invitae Variant Classification Sherloc (09022015). Collection method: clinical testing. Allele origin: germline. Not counted in ClinVar's aggregate classification.
Comment: A different variant affecting this nucleotide (c.1170+5G>A) has been determined to be pathogenic (Invitae). This suggests that this nucleotide is important for normal RNA splicing, and that other variants at this position may also be pathogenic. In summary, the available evidence is currently insufficient to determine the role of this variant in disease. Therefore, it has been classified as a Variant of Uncertain Significance. Nucleotide substitutions within the consensus splice site are a relatively common cause of aberrant splicing (PMID: 17576681, 9536098). Algorithms developed to predict the effect of sequence changes on RNA splicing suggest that this variant may disrupt the consensus splice site, but this prediction has not been confirmed by published transcriptional studies. This variant has not been reported in the literature in individuals with SCN1A-related conditions. ClinVar contains an entry for this variant (Variation ID: 393000). This variant is not present in population databases (ExAC no frequency). This sequence change falls in intron 8 of the SCN1A gene. It does not directly change the encoded amino acid sequence of the SCN1A protein, but it affects a nucleotide within the consensus splice site of the intron.

GeneDx
Classification: Likely pathogenic. Last evaluated: 2017-01-27. Review status: criteria provided, single submitter. Criteria: GeneDx Variant Classification (06012015). Collection method: clinical testing. Allele origin: germline. Affected: yes. Not counted in ClinVar's aggregate classification.
Comment: A novel c.1170+5 G>C variant that is likely pathogenic has been identified in the SCN1A gene. The c.1170+5 G>C variant has not been published as a pathogenic variant, nor has it been reported as a benign variant to our knowledge. The c.1170+5 G>C variant is not observed in large population cohorts (Lek et al., 2016; 1000 Genomes Consortium et al., 2015; Exome Variant Server). Several in-silico splice prediction models predict that c.1170+5 G>C may destroy the natural donor site in intron 8 and lead to abnormal gene splicing. However, in the absence of RNA/functional studies, the actual effect of this sequence change in this individual is unknown. Therefore, this variant is likely pathogenic; however, the possibility that it is benign cannot be excluded.

Literature cited by the submitters: PubMed 17576681 (cited by Labcorp Genetics (formerly Invitae), Labcorp); PubMed 9536098 (cited by Labcorp Genetics (formerly Invitae), Labcorp).

NM_001165963.4(SCN1A):c.1170+5G>C

Gene: SCN1A (sodium voltage-gated channel alpha subunit 1; minus strand). Cytogenetic location: 2q24.3.
Variant type: single nucleotide variant.
Coding change: c.1170+5G>C on transcript NM_001165963.4 (MANE Select); 5 bases into the intron after coding-DNA position 1170, G replaced by C.
Molecular consequence: intron variant.
Genome position (GRCh38, 1-based): chr2:166,047,622, C>G on the plus strand (G>C on the coding strand, the complement: SCN1A is on the minus strand). VCF-style: chr2-166047622-C-G. GRCh37 (hg19) VCF-style: chr2-166904132-C-G.
Other names: c.1170+5G>C (NM_001353949.2, NM_001353958.2, NM_001353950.2 and 10 more transcripts); c.-1256+5G>C (NM_001353961.2).
Identifiers: ClinVar variation 393000 (VCV000393000.12), dbSNP rs1057524737, ClinGen allele CA16603947.